The following is an entry in ClinVar:

ClinVar aggregate classification (germline): Likely benign. Review status: criteria provided, single submitter (1 of 4 stars). 2 submissions from 2 submitters: Likely benign (1). 1 of the submissions does not count toward it. Last evaluated 2024-02-08.

Conditions:
DNMT3A-related disorder. Also called: DNMT3A-related disorders; DNMT3A-related condition.
Tatton-Brown-Rahman overgrowth syndrome. Also called: Tatton-Brown-Rahman syndrome; Tall stature-intellectual disability-facial dysmorphism syndrome. Identifiers: Orphanet 404443, MedGen C4014545, MONDO:0014382, OMIM 615879.

Allele frequency attached by ClinVar (database versions not stated): gnomAD exomes 0.00002; TOPMed 0.00008; gnomAD 0.00011; ExAC 0.00014.
gnomAD v4.1: 46 of 1,547,692 alleles (0.003%); highest among the groups gnomAD compares: Admixed American, 0.034%; no homozygotes.

Submissions (2):

Labcorp Genetics (formerly Invitae), Labcorp
Classification: Likely benign for Tatton-Brown-Rahman overgrowth syndrome. Last evaluated: 2024-02-08. Review status: criteria provided, single submitter. Criteria: Invitae Variant Classification Sherloc (09022015). Collection method: clinical testing. Allele origin: germline.

PreventionGenetics, part of Exact Sciences
Classification: Likely benign for DNMT3A-related condition. Last evaluated: 2023-09-18. Review status: no assertion criteria provided. Collection method: clinical testing. Allele origin: germline. Not counted in ClinVar's aggregate classification.
Comment: This variant is classified as likely benign based on ACMG/AMP sequence variant interpretation guidelines (Richards et al. 2015 PMID: 25741868, with internal and published modifications).

NM_022552.5(DNMT3A):c.21C>T (p.Ser7=)

Gene: DNMT3A (DNA methyltransferase 3 alpha; minus strand). Cytogenetic location: 2p23.3.
Variant type: single nucleotide variant.
Coding change: c.21C>T on transcript NM_022552.5 (MANE Select); coding-DNA position 21, C replaced by T.
Protein change: p.Ser7=; no amino-acid change (serine 7 retained).
Molecular consequence: synonymous variant. On other transcripts: non-coding transcript variant (1).
Genome position (GRCh38, 1-based): chr2:25,313,964, G>A on the plus strand (C>T on the coding strand, the complement: DNMT3A is on the minus strand). VCF-style: chr2-25313964-G-A. GRCh37 (hg19) VCF-style: chr2-25536833-G-A.
Other names: c.21C>T, p.Ser7= (NM_175630.1, NM_001320892.2, NM_175629.2).
Identifiers: ClinVar variation 2801853 (VCV002801853.5), dbSNP rs748936424, ClinGen allele CA1556575.